The following is an entry in ClinVar:

ClinVar aggregate classification (germline): Conflicting classifications of pathogenicity. Review status: criteria provided, conflicting classifications (1 of 4 stars). 2 submissions from 2 submitters: Uncertain significance (1); Likely benign (1). Last evaluated 2025-05-08.

Conditions:
Craniosynostosis syndrome. Also called: Craniosynostosis. Identifiers: Orphanet 1531, MedGen C0010278, MeSH D003398, MONDO:0015469, HP:0001363.

Allele frequency attached by ClinVar (database versions not stated): TOPMed 0.00014; gnomAD 0.00046 and 0.00042; gnomAD exomes 0.00050 and 0.00030; ESP Exome Variant Server 0.00008; ExAC 0.00031.
gnomAD v4.1: 489 of 1,613,970 alleles (0.03%); highest among the groups gnomAD compares: Non-Finnish European, 0.019%; 2 homozygotes.

Submissions (2):

Labcorp Genetics (formerly Invitae), Labcorp
Classification: Likely benign. Last evaluated: 2025-05-08. Review status: criteria provided, single submitter. Criteria: Invitae Variant Classification Sherloc (09022015). Collection method: clinical testing. Allele origin: germline.

Klinisk genetik och genomik Research, Gothenburg University
Classification: Uncertain significance for Craniosynostosis. Last evaluated: 2019-09-25. Review status: criteria provided, single submitter. Criteria: ACMG Guidelines, 2015. Collection method: research. Allele origin: germline. Affected: yes.
Comment: Co-segregating with VOUS in TGFBR1

Literature cited by the submitters: PubMed 31837199 (cited by Klinisk genetik och genomik Research, Gothenburg University).

NM_001142784.3(IL11RA):c.343C>T (p.Arg115Cys)

Gene: IL11RA (interleukin 11 receptor subunit alpha; plus strand). Cytogenetic location: 9p13.3.
Variant type: single nucleotide variant.
Coding change: c.343C>T on transcript NM_001142784.3 (MANE Select); coding-DNA position 343, C replaced by T.
Protein change: p.Arg115Cys; replaces arginine 115 with cysteine.
Molecular consequence: missense variant. On other transcripts: non-coding transcript variant (1).
Genome position (GRCh38, 1-based): chr9:34,657,046, C>T. VCF-style: chr9-34657046-C-T. GRCh37 (hg19) VCF-style: chr9-34657043-C-T.
Other names: short protein forms R115C.
Identifiers: ClinVar variation 691924 (VCV000691924.3), dbSNP rs200580340, ClinGen allele CA5036446.
Genomic context (GRCh38, chr9:34,657,046, plus strand): 5'-AGGAGGACCTGAGGACTGCTCAGTCTCCAGGTGTACCCTCTGCCTCTAGACCCTCCAGCC[C>T]GCCCTGTTGTCTCCTGCCAAGCAGCCGACTATGAGAACTTCTCTTGCACTTGGAGTCCCA-3'
Protein context (NP_001136256.1, residues 105-125): VTLQLGYPPA[Arg115Cys]PVVSCQAADY